The following is an entry in ClinVar:

ClinVar aggregate classification (germline): Likely benign (1 of 4 stars; one submission).

Allele frequency attached by ClinVar (database versions not stated): gnomAD exomes below 0.00001.
gnomAD v4.1: 2 of 1,614,076 alleles (0.00012%); highest among the groups gnomAD compares: Non-Finnish European, 0.00017%; no homozygotes.

Submission:

CeGaT Center for Human Genetics Tuebingen
Classification: Likely benign. Last evaluated: 2022-06-01. Review status: criteria provided, single submitter. Criteria: CeGaT Center For Human Genetics Tuebingen Variant Classification Criteria Version 2. Collection method: clinical testing. Allele origin: germline. Affected: yes. Observed: 1 variant allele.
Comment: MAPK4: PM2:Supporting, BP4, BP7

NM_002747.4(MAPK4):c.702G>A (p.Glu234=)

Gene: MAPK4 (mitogen-activated protein kinase 4; plus strand). Cytogenetic location: 18q21.2.
Variant type: single nucleotide variant.
Coding change: c.702G>A on transcript NM_002747.4 (MANE Select); coding-DNA position 702, G replaced by A.
Protein change: p.Glu234=; no amino-acid change (glutamic acid 234 retained).
Molecular consequence: synonymous variant. On other transcripts: intron variant (1).
Genome position (GRCh38, 1-based): chr18:50,721,948, G>A. VCF-style: chr18-50721948-G-A. GRCh37 (hg19) VCF-style: chr18-48248318-G-A.
Other names: c.69G>A, p.Glu23= (NM_001292039.2); c.691+6725G>A (NM_001292040.2).
Identifiers: ClinVar variation 2648720 (VCV002648720.24), dbSNP rs2511483902, ClinGen allele CA503868228.